The following is an entry in ClinVar:

ClinVar aggregate classification (germline): Pathogenic (1 of 4 stars; one submission).

Conditions:
Hereditary factor XI deficiency disease. Also called: PLASMA THROMBOPLASTIN ANTECEDENT DEFICIENCY; PTA DEFICIENCY; ROSENTHAL SYNDROME; Congenital factor XI deficiency. Identifiers: Orphanet 329, MedGen C0015523, MeSH D005173, MONDO:0012897, OMIM 612416.

Submission:

Myriad Genetics, Inc.
Classification: Pathogenic for Hereditary factor XI deficiency disease. Last evaluated: 2024-05-14. Review status: criteria provided, single submitter. Criteria: Myriad Autosomal Dominant, Autosomal Recessive and X-Linked Classification Criteria (2023). Collection method: clinical testing. Allele origin: unknown.
Comment: NM_000128.3(F11):c.1043T>A(L348*) is expected to be pathogenic in the context of factor XI deficiency. This variant is predicted to lead to an abnormal or absent protein product due to the creation of a premature termination codon in F11, a gene where loss-of-function variants are known to be pathogenic. Please note: this variant was assessed in the context of healthy population screening.

NM_000128.4(F11):c.1043T>A (p.Leu348Ter)

Gene: F11 (coagulation factor XI; plus strand). Cytogenetic location: 4q35.2.
Variant type: single nucleotide variant.
Coding change: c.1043T>A on transcript NM_000128.4 (MANE Select); coding-DNA position 1043, T replaced by A.
Protein change: p.Leu348Ter; replaces leucine 348 with a stop codon.
Molecular consequence: nonsense.
Genome position (GRCh38, 1-based): chr4:186,280,488, T>A. VCF-style: chr4-186280488-T-A. GRCh37 (hg19) VCF-style: chr4-187201642-T-A.
Other names: c.995T>A, p.Leu332Ter (NM_001440590.1, NM_001440596.1); c.1043T>A, p.Leu348Ter (NM_001440593.1); c.773T>A, p.Leu258Ter (NM_001440605.1, NM_001440607.1); c.725T>A, p.Leu242Ter (NM_001440606.1, NM_001440608.1); short protein forms L242*, L258*, L332*, L348*.
Identifiers: ClinVar variation 5010320 (VCV005010320.1).
Genomic context (GRCh38, chr4:186,280,488, plus strand): 5'-GCCTGTGAGGTGCATTATGTTTATACCGTTTTGTTTCCAACTGCAGGGGCAAGTGTTACT[T>A]AAAGCTTTCTTCAAACGGATCTCCAACTAAAATACTTCACGGGAGAGGAGGCATCTCTGG-3'